The following is an entry in ClinVar:

NM_001292034.3(TAB2):c.955A>G (p.Thr319Ala)

Genes: TAB2 (TGF-beta activated kinase 1 (MAP3K7) binding protein 2; plus strand), LOC126859827 (BRD4-independent group 4 enhancer GRCh37_chr6:149699707-149700906; plus strand). Cytogenetic location: 6q25.1.
Variant type: single nucleotide variant.
Coding change: c.955A>G on transcript NM_001292034.3 (MANE Select); coding-DNA position 955, A replaced by G.
Protein change: p.Thr319Ala; replaces threonine 319 with alanine.
Molecular consequence: missense variant.
Genome position (GRCh38, 1-based): chr6:149,378,870, A>G. VCF-style: chr6-149378870-A-G. GRCh37 (hg19) VCF-style: chr6-149700006-A-G.
Other names: c.859A>G, p.Thr287Ala (NM_001292035.3); c.955A>G, p.Thr319Ala (NM_001369506.1, NM_015093.6); short protein forms T319A, T287A.
Identifiers: ClinVar variation 1473578 (VCV001473578.8), dbSNP rs946025303, ClinGen allele CA149916786.

ClinVar aggregate classification (germline): Uncertain significance (1 of 4 stars; one submission).

Allele frequency attached by ClinVar (database versions not stated): gnomAD exomes 0.00001.
gnomAD v4.1: 4 of 1,614,192 alleles (0.00025%); highest among the groups gnomAD compares: Admixed American, 0.005%; no homozygotes.

Submission:

Labcorp Genetics (formerly Invitae), Labcorp
Classification: Uncertain significance. Last evaluated: 2025-03-17. Review status: criteria provided, single submitter. Criteria: Invitae Variant Classification Sherloc (09022015). Collection method: clinical testing. Allele origin: germline.
Comment: This sequence change replaces threonine, which is neutral and polar, with alanine, which is neutral and non-polar, at codon 319 of the TAB2 protein (p.Thr319Ala). This variant is present in population databases (no rsID available, gnomAD 0.009%). This variant has not been reported in the literature in individuals affected with TAB2-related conditions. ClinVar contains an entry for this variant (Variation ID: 1473578). Invitae Evidence Modeling of protein sequence and biophysical properties (such as structural, functional, and spatial information, amino acid conservation, physicochemical variation, residue mobility, and thermodynamic stability) indicates that this missense variant is not expected to disrupt TAB2 protein function with a negative predictive value of 80%. In summary, the available evidence is currently insufficient to determine the role of this variant in disease. Therefore, it has been classified as a Variant of Uncertain Significance.